The following is an entry in ClinVar:

NM_001035.3(RYR2):c.7878G>C (p.Gly2626=)

Gene: RYR2 (ryanodine receptor 2; plus strand). Cytogenetic location: 1q43.
Variant type: single nucleotide variant.
Coding change: c.7878G>C on transcript NM_001035.3 (MANE Select); coding-DNA position 7878, G replaced by C.
Protein change: p.Gly2626=; no amino-acid change (glycine 2626 retained).
Molecular consequence: synonymous variant.
Genome position (GRCh38, 1-based): chr1:237,654,327, G>C. VCF-style: chr1-237654327-G-C. GRCh37 (hg19) VCF-style: chr1-237817627-G-C.
Other names: c.7878G>C, p.Gly2626= (LRG_402t1).
Identifiers: ClinVar variation 514831 (VCV000514831.1), dbSNP rs1553269593, ClinGen allele CA423820383.

ClinVar aggregate classification (germline): Likely benign (1 of 4 stars; one submission).

gnomAD v4.1: 1 of 1,613,968 alleles (0.000062%); highest among the groups gnomAD compares: Non-Finnish European, 0.000085%; no homozygotes.

Submission:

GeneDx
Classification: Likely benign. Last evaluated: 2018-01-17. Review status: criteria provided, single submitter. Criteria: GeneDx Variant Classification (06012015). Collection method: clinical testing. Allele origin: germline. Affected: yes.
Comment: This variant is considered likely benign or benign based on one or more of the following criteria: it is a conservative change, it occurs at a poorly conserved position in the protein, it is predicted to be benign by multiple in silico algorithms, and/or has population frequency not consistent with disease.